The following is an entry in ClinVar:

NM_000038.6(APC):c.2109dup (p.Val704fs)

Gene: APC (APC regulator of Wnt signaling pathway; plus strand). Cytogenetic location: 5q22.2.
Variant type: Duplication.
Coding change: c.2109dup on transcript NM_000038.6 (MANE Select); coding-DNA position 2109, one base duplicated (A; older notation c.2109dupA).
Protein change: p.Val704fs; shifts the reading frame from valine 704.
Molecular consequence: frameshift variant.
Genome position (GRCh38, 1-based): chr5:112,837,703, A duplicated. VCF-style (leftmost placement, unchanged base first): chr5-112837702-C-CA. GRCh37 (hg19) VCF-style: chr5-112173399-C-CA.
Other names: c.2109dup, p.Val704fs (NM_001127510.3, NM_001354895.2); c.2055dup, p.Val686fs (NM_001127511.3); c.2163dup, p.Val722fs (NM_001354896.2); c.2139dup, p.Val714fs (NM_001354897.2); c.2034dup, p.Val679fs (NM_001354898.2); c.2025dup, p.Val676fs (NM_001354899.2); c.1986dup, p.Val663fs (NM_001354900.2); c.1932dup, p.Val645fs (NM_001354901.2); and 5 more; short protein forms V544fs, V645fs, V722fs, V603fs, V704fs, V714fs, V421fs, V613fs.
Identifiers: ClinVar variation 1436261 (VCV001436261.6), dbSNP rs2149860825, ClinGen allele CA2573138920.

ClinVar aggregate classification (germline): Pathogenic (1 of 4 stars; one submission).

Conditions:
Familial adenomatous polyposis 1 (FAP1). Also called: FAMILIAL ADENOMATOUS POLYPOSIS 1, ATTENUATED; POLYPOSIS, ADENOMATOUS INTESTINAL. Identifiers: MedGen C2713442, MONDO:0021056, OMIM 175100. Disease mechanism: loss of function.

Submission:

Labcorp Genetics (formerly Invitae), Labcorp
Classification: Pathogenic for Familial adenomatous polyposis 1. Last evaluated: 2022-04-13. Review status: criteria provided, single submitter. Criteria: Invitae Variant Classification Sherloc (09022015). Collection method: clinical testing. Allele origin: germline.
Comment: For these reasons, this variant has been classified as Pathogenic. This variant is expected to disrupt the EB1 and HDLG binding sites, which mediate interactions with the cytoskeleton (PMID: 15311282, 17293347). While functional studies have not been performed to directly test the effect on APC protein function, this suggests that disruption of the C-terminal portion of the protein is functionally important. A different truncation (p.Tyr2645Lysfs*14) that lies downstream of this variant has been determined to be pathogenic (PMID: 9824584, 1316610, 27081525, 8381579, 22135120, Invitae). This suggests that deletion of this region of the APC protein is causative of disease. This variant has not been reported in the literature in individuals affected with APC-related conditions. This variant is not present in population databases (gnomAD no frequency). This sequence change creates a premature translational stop signal (p.Val704Serfs*2) in the APC gene. While this is not anticipated to result in nonsense mediated decay, it is expected to disrupt the last 2140 amino acid(s) of the APC protein.

Literature cited by the submitters: PubMed 15311282; PubMed 17293347; PubMed 9824584; PubMed 1316610; PubMed 27081525; PubMed 8381579; PubMed 22135120.